The following is an entry in ClinVar:

ClinVar aggregate classification (germline): Uncertain significance (1 of 4 stars; one submission).

Conditions:
LAMA2-related muscular dystrophy (LAMA2-RD). Also called: Laminin alpha 2-related dystrophy. Identifiers: MedGen C5679788, MONDO:0100228.

Allele frequency attached by ClinVar (database versions not stated): gnomAD 0.00001; TOPMed 0.00001.
gnomAD v4.1: 1 of 1,613,980 alleles (0.000062%); highest among the groups gnomAD compares: Admixed American, 0.0017%; no homozygotes.

Submission:

Labcorp Genetics (formerly Invitae), Labcorp
Classification: Uncertain significance for LAMA2-related muscular dystrophy. Last evaluated: 2021-09-17. Review status: criteria provided, single submitter. Criteria: Invitae Variant Classification Sherloc (09022015). Collection method: clinical testing. Allele origin: germline.
Comment: This sequence change replaces valine with leucine at codon 3103 of the LAMA2 protein (p.Val3103Leu). The valine residue is weakly conserved and there is a small physicochemical difference between valine and leucine. This variant is not present in population databases (ExAC no frequency). This variant has not been reported in the literature in individuals affected with LAMA2-related conditions. Advanced modeling of protein sequence and biophysical properties (such as structural, functional, and spatial information, amino acid conservation, physicochemical variation, residue mobility, and thermodynamic stability) performed at Invitae indicates that this missense variant is not expected to disrupt LAMA2 protein function. In summary, the available evidence is currently insufficient to determine the role of this variant in disease. Therefore, it has been classified as a Variant of Uncertain Significance.

NM_000426.4(LAMA2):c.9307G>C (p.Val3103Leu)

Gene: LAMA2 (laminin subunit alpha 2; plus strand). Cytogenetic location: 6q22.33.
Variant type: single nucleotide variant.
Coding change: c.9307G>C on transcript NM_000426.4 (MANE Select); coding-DNA position 9307, G replaced by C.
Protein change: p.Val3103Leu; replaces valine 3103 with leucine.
Molecular consequence: missense variant.
Genome position (GRCh38, 1-based): chr6:129,516,285, G>C. VCF-style: chr6-129516285-G-C. GRCh37 (hg19) VCF-style: chr6-129837430-G-C.
Other names: c.9295G>C, p.Val3099Leu (NM_001079823.2); short protein forms V3103L, V3099L.
Identifiers: ClinVar variation 1383625 (VCV001383625.5), dbSNP rs1787069635, ClinGen allele CA365637375.